The following is an entry in ClinVar:

NM_001365951.3(KIF1B):c.2115+7004C>G

Gene: KIF1B (kinesin family member 1B; plus strand). Cytogenetic location: 1p36.22.
Variant type: single nucleotide variant.
Coding change: c.2115+7004C>G on transcript NM_001365951.3 (MANE Select); 7004 bases into the intron after coding-DNA position 2115, C replaced by G.
Molecular consequence: intron variant. On other transcripts: missense variant (2).
Genome position (GRCh38, 1-based): chr1:10,304,250, C>G. VCF-style: chr1-10304250-C-G. GRCh37 (hg19) VCF-style: chr1-10364308-C-G.
Other names: c.3065C>G, p.Ser1022Cys (NM_001365953.1, NM_183416.4); c.1977+7004C>G (NM_015074.3); c.2115+7004C>G (NM_001365952.1); short protein forms S1022C.
Identifiers: ClinVar variation 3771219 (VCV003771219.13).

ClinVar aggregate classification (germline): Likely benign (1 of 4 stars; one submission).

gnomAD v4.1: 62 of 1,614,024 alleles (0.0038%); highest among the groups gnomAD compares: Non-Finnish European, 0.0044%; no homozygotes.

Submission:

CeGaT Center for Human Genetics Tuebingen
Classification: Likely benign. Last evaluated: 2024-12-01. Review status: criteria provided, single submitter. Criteria: CeGaT Center For Human Genetics Tuebingen Variant Classification Criteria Version 2. Collection method: clinical testing. Allele origin: germline. Affected: yes. Observed: 1 variant allele.
Comment: KIF1B: BP4